The following is an entry in ClinVar:

ClinVar aggregate classification (germline): Uncertain significance. Review status: criteria provided, multiple submitters, no conflicts (2 of 4 stars). 2 submissions from 2 submitters: Uncertain significance (2). Last evaluated 2024-05-06.

Conditions:
Myasthenic syndrome, congenital, 22 (CMS22). Also called: PREPL DEFICIENCY. Identifiers: MedGen C4479088, MONDO:0044299, OMIM 616224.
Inborn genetic diseases. Identifiers: MedGen C0950123, MeSH D030342.

Allele frequency attached by ClinVar (database versions not stated): gnomAD exomes 0.00001; ExAC 0.00002; 1000 Genomes Project 30x 0.00031; 1000 Genomes Project 0.00040.
gnomAD v4.1: 13 of 1,613,494 alleles (0.00081%); highest among the groups gnomAD compares: South Asian, 0.0033%; no homozygotes.

Submissions (2):

Ambry Genetics
Classification: Uncertain significance for Inborn genetic diseases. Last evaluated: 2024-05-06. Review status: criteria provided, single submitter. Criteria: Ambry Variant Classification Scheme 2023. Collection method: clinical testing. Allele origin: germline.

Labcorp Genetics (formerly Invitae), Labcorp
Classification: Uncertain significance for Myasthenic syndrome, congenital, 22. Last evaluated: 2024-02-17. Review status: criteria provided, single submitter. Criteria: Invitae Variant Classification Sherloc (09022015). Collection method: clinical testing. Allele origin: germline.
Comment: This sequence change replaces serine, which is neutral and polar, with proline, which is neutral and non-polar, at codon 59 of the PREPL protein (p.Ser59Pro). This variant is present in population databases (rs375878651, gnomAD 0.01%). This variant has not been reported in the literature in individuals affected with PREPL-related conditions. ClinVar contains an entry for this variant (Variation ID: 1346503). Algorithms developed to predict the effect of missense changes on protein structure and function output the following: SIFT: "Not Available"; PolyPhen-2: "Benign"; Align-GVGD: "Not Available". The proline amino acid residue is found in multiple mammalian species, which suggests that this missense change does not adversely affect protein function. In summary, the available evidence is currently insufficient to determine the role of this variant in disease. Therefore, it has been classified as a Variant of Uncertain Significance.

NM_001171613.2(PREPL):c.-49+1839T>C

Gene: PREPL (prolyl endopeptidase like; minus strand). Cytogenetic location: 2p21.
Variant type: single nucleotide variant.
Coding change: c.-49+1839T>C on transcript NM_001171613.2 (MANE Select); 1839 bases into the intron after 49 bases upstream of the start codon, T replaced by C.
Molecular consequence: intron variant. On other transcripts: missense variant (7).
Genome position (GRCh38, 1-based): chr2:44,359,541, A>G on the plus strand (T>C on the coding strand, the complement: PREPL is on the minus strand). VCF-style: chr2-44359541-A-G. GRCh37 (hg19) VCF-style: chr2-44586680-A-G.
Other names: c.175T>C, p.Ser59Pro (NM_001042385.2, NM_001042386.2, NM_001171603.1 and 4 more transcripts); c.-49+1983T>C (NM_001171617.1); c.-49+1876T>C (NM_001374277.1); short protein forms S59P.
Identifiers: ClinVar variation 1346503 (VCV001346503.7), dbSNP rs375878651, ClinGen allele CA1641729.
Genomic context (GRCh38, chr2:44,359,541, plus strand): 5'-CTTAAACAGTCCATACCTTACATGAGAAGCTCCGACTTGGGATGTTTCTTGCTAACTCTG[A>G]TATCTTGGGTTTATTCTGAAGACACTTGGTTAGGTGATATTTTTTCAATTTTATTCTATT-3'